The following is an entry in ClinVar:

NM_201384.3(PLEC):c.13581C>T (p.Tyr4527=)

Gene: PLEC (plectin; minus strand). Cytogenetic location: 8q24.3.
Variant type: single nucleotide variant.
Coding change: c.13581C>T on transcript NM_201384.3 (MANE Select); coding-DNA position 13581, C replaced by T.
Protein change: p.Tyr4527=; no amino-acid change (tyrosine 4527 retained).
Molecular consequence: synonymous variant.
Genome position (GRCh38, 1-based): chr8:143,916,240, G>A on the plus strand (C>T on the coding strand, the complement: PLEC is on the minus strand). VCF-style: chr8-143916240-G-A. GRCh37 (hg19) VCF-style: chr8-144990408-G-A.
Other names: c.13662C>T, p.Tyr4554= (NM_000445.5); c.13539C>T, p.Tyr4513= (NM_201378.4); c.13515C>T, p.Tyr4505= (NM_201379.3); c.13992C>T, p.Tyr4664= (NM_201380.4); c.13485C>T, p.Tyr4495= (NM_201381.3); c.13581C>T, p.Tyr4527= (NM_201382.4); c.13593C>T, p.Tyr4531= (NM_201383.3).
Identifiers: ClinVar variation 385829 (VCV000385829.14), dbSNP rs562934299, ClinGen allele CA4923755.
Genomic context (GRCh38, chr8:143,916,240, plus strand): 5'-GGCCACGGCAGACTCAGGGCCCCCCAGGGAGGCCGAGGACCCCGAGGCGTAGCGGCGGCC[G>A]TAGCCCGAGGAGGAGTAGGAGGATGAAGAGAAGGTCATGGAGAAGCCGGAGCCGGTGGCG-3'
Protein context (NP_958786.1, residues 4517-4537): FSSSSYSSSG[Tyr4527=]GRRYASGSSA

ClinVar aggregate classification (germline): Conflicting classifications of pathogenicity. Review status: criteria provided, conflicting classifications (1 of 4 stars). 4 submissions from 4 submitters: Uncertain significance (1); Likely benign (3). Last evaluated 2025-10-29.

Conditions:
PLEC-related disorder. Also called: PLEC-related disorders; PLEC-related condition.
Autosomal recessive limb-girdle muscular dystrophy type 2Q (LGMDR17). Also called: MUSCULAR DYSTROPHY, LIMB-GIRDLE, AUTOSOMAL RECESSIVE 17. Identifiers: Orphanet 254361, MedGen C3150989, MONDO:0013390, OMIM 613723.
Epidermolysis bullosa simplex 5B, with muscular dystrophy (EBS5B). Also called: EPIDERMOLYSIS BULLOSA SIMPLEX AND LIMB-GIRDLE MUSCULAR DYSTROPHY; Epidermolysis bullosa simplex with muscular dystrophy. Identifiers: Orphanet 257, MedGen C2931072, MONDO:0009181, OMIM 226670.
Epidermolysis bullosa simplex with nail dystrophy (EBS5D). Identifiers: MedGen C4225309, MONDO:0014661, OMIM 616487.
Epidermolysis bullosa simplex, Ogna type (EBS5A). Also called: Pidermolysis bullosa simplex 5A, Ogna type; EPIDERMOLYSIS BULLOSA SIMPLEX 5A, OGNA TYPE. Identifiers: Orphanet 79401, MedGen C0432317, MONDO:0007555, OMIM 131950.
Epidermolysis bullosa simplex 5C, with pyloric atresia (EBS5C). Also called: PLEC1-Related Epidermolysis Bullosa with Pyloric Atresia; PLEC-Related Epidermolysis Bullosa with Pyloric Atresia; Epidermolysis bullosa simplex with pyloric atresia. Identifiers: Orphanet 158684, MedGen C2677349, MONDO:0012807, OMIM 612138.

Allele frequency attached by ClinVar (database versions not stated): gnomAD exomes 0.00006 and 0.00007; gnomAD 0.00007; TOPMed 0.00008; ExAC 0.00017; 1000 Genomes Project 30x 0.00031; 1000 Genomes Project 0.00040.
gnomAD v4.1: 108 of 1,546,516 alleles (0.007%); highest among the groups gnomAD compares: South Asian, 0.011%; no homozygotes.

Submissions (4):

Labcorp Genetics (formerly Invitae), Labcorp
Classification: Likely benign for Autosomal recessive limb-girdle muscular dystrophy type 2Q; Epidermolysis bullosa simplex, Ogna type; Epidermolysis bullosa simplex with nail dystrophy; Epidermolysis bullosa simplex 5C, with pyloric atresia; Epidermolysis bullosa simplex 5B, with muscular dystrophy. Last evaluated: 2025-10-29. Review status: criteria provided, single submitter. Criteria: Invitae Variant Classification Sherloc (09022015). Collection method: clinical testing. Allele origin: germline.

PreventionGenetics, part of Exact Sciences
Classification: Likely benign for PLEC-related condition. Last evaluated: 2025-10-22. Review status: criteria provided, single submitter. Criteria: ACMG Guidelines, 2015. Collection method: clinical testing. Allele origin: germline.
Comment: This variant is classified as likely benign based on ACMG/AMP sequence variant interpretation guidelines (Richards et al. 2015 PMID: 25741868, with internal and published modifications).

Revvity Omics, Revvity
Classification: Uncertain significance. Last evaluated: 2025-06-02. Review status: criteria provided, single submitter. Criteria: ACMG Guidelines, 2015. Collection method: clinical testing. Allele origin: germline.

GeneDx
Classification: Likely benign. Last evaluated: 2016-05-20. Review status: criteria provided, single submitter. Criteria: GeneDx Variant Classification (06012015). Collection method: clinical testing. Allele origin: germline. Affected: yes.
Comment: This variant is considered likely benign or benign based on one or more of the following criteria: it is a conservative change, it occurs at a poorly conserved position in the protein, it is predicted to be benign by multiple in silico algorithms, and/or has population frequency not consistent with disease.